The following is an entry in ClinVar:

NM_004341.5(CAD):c.6346C>T (p.Arg2116Trp)

Genes: CAD (carbamoyl-phosphate synthetase 2, aspartate transcarbamylase, and dihydroorotase; plus strand), LOC126806172 (CDK7 strongly-dependent group 2 enhancer GRCh37_chr2:27465505-27466704; plus strand). Cytogenetic location: 2p23.3.
Variant type: single nucleotide variant.
Coding change: c.6346C>T on transcript NM_004341.5 (MANE Select); coding-DNA position 6346, C replaced by T.
Protein change: p.Arg2116Trp; replaces arginine 2116 with tryptophan.
Molecular consequence: missense variant.
Genome position (GRCh38, 1-based): chr2:27,242,743, C>T. VCF-style: chr2-27242743-C-T. GRCh37 (hg19) VCF-style: chr2-27465611-C-T.
Other names: c.6157C>T, p.Arg2053Trp (NM_001306079.2); short protein forms R2053W, R2116W.
Identifiers: ClinVar variation 3731031 (VCV003731031.1).

ClinVar aggregate classification (germline): Uncertain significance (1 of 4 stars; one submission).

gnomAD v4.1: 20 of 1,614,058 alleles (0.0012%); highest among the groups gnomAD compares: South Asian, 0.0055%; no homozygotes.

Submission:

GeneDx
Classification: Uncertain significance. Last evaluated: 2024-08-13. Review status: criteria provided, single submitter. Criteria: GeneDx Variant Classification Process June 2021. Collection method: clinical testing. Allele origin: germline. Affected: yes.
Comment: In silico analysis indicates that this missense variant does not alter protein structure/function; Has not been previously published as pathogenic or benign to our knowledge